The following is an entry in ClinVar:

NC_000014.9:g.(?_88415231)_(88455149_?)dup

Gene: SPATA7 (spermatogenesis associated 7; plus strand). Cytogenetic location: 14q31.3.
Variant type: Duplication.
Identifiers: ClinVar variation 831376 (VCV000831376.2).

ClinVar aggregate classification (germline): Uncertain significance (1 of 4 stars; one submission).

Conditions:
Leber congenital amaurosis 3 (LCA3). Also called: SPATA7-Related Retinitis Pigmentosa. Identifiers: MedGen C1858677, MONDO:0011415, OMIM 604232.

Submission:

Labcorp Genetics (formerly Invitae), Labcorp
Classification: Uncertain significance for Leber congenital amaurosis 3; Retinitis Pigmentosa, Juvenile, SPATA7-Related. Last evaluated: 2019-12-11. Review status: criteria provided, single submitter. Criteria: Invitae Variant Classification Sherloc (09022015). Collection method: clinical testing. Allele origin: germline.
Comment: This variant results in a copy number gain of the genomic region encompassing exons 5-12 of the SPATA7 gene. The 5' boundary is likely confined to intron 4. The 3' end of this event is unknown as it extends beyond the assayed region for this gene and therefore may encompass additional genes. As the precise location of this event is unknown, it may be in tandem or it may be located elsewhere in the genome. This variant has not been reported in the literature in individuals with SPATA7-related conditions. In summary, the available evidence is currently insufficient to determine the role of this variant in disease. Therefore, it has been classified as a Variant of Uncertain Significance.